The following is an entry in ClinVar:

NM_006236.3(POU3F3):c.524del (p.Pro175fs)

Gene: POU3F3 (POU class 3 homeobox 3; plus strand). Cytogenetic location: 2q12.1.
Variant type: Deletion.
Coding change: c.524del on transcript NM_006236.3 (MANE Select); coding-DNA position 524, one base deleted (C; older notation c.524delC).
Protein change: p.Pro175fs; shifts the reading frame from proline 175.
Molecular consequence: frameshift variant.
Genome position (GRCh38, 1-based): chr2:104,856,034, C deleted; the last of 5 consecutive C bases (chr2:104,856,030-104,856,034); deleting any one gives the same sequence. VCF-style (leftmost placement, unchanged base first): chr2-104856029-AC-A. GRCh37 (hg19) VCF-style: chr2-105472487-AC-A.
Other names: short protein forms P175fs.
Identifiers: ClinVar variation 2136171 (VCV002136171.1), dbSNP rs2466875437, ClinGen allele CA2580063704.

ClinVar aggregate classification (germline): Pathogenic (1 of 4 stars; one submission).

Submission:

GeneDx
Classification: Pathogenic. Last evaluated: 2022-07-18. Review status: criteria provided, single submitter. Criteria: GeneDx Variant Classification Process June 2021. Collection method: clinical testing. Allele origin: germline. Affected: yes.
Comment: Frameshift variant predicted to result in protein truncation, as the last 326 amino acids are replaced with 55 different amino acids, and other loss-of-function variants have been reported downstream in HGMD; Not observed at significant frequency in large population cohorts (gnomAD); This variant is associated with the following publications: (PMID: 31303265)